The following is an entry in ClinVar:

NM_001378609.3(OTOGL):c.5923T>C (p.Leu1975=)

Gene: OTOGL (otogelin like; plus strand). Cytogenetic location: 12q21.31.
Variant type: single nucleotide variant.
Coding change: c.5923T>C on transcript NM_001378609.3 (MANE Select); coding-DNA position 5923, T replaced by C.
Protein change: p.Leu1975=; no amino-acid change (leucine 1975 retained).
Molecular consequence: synonymous variant.
Genome position (GRCh38, 1-based): chr12:80,356,818, T>C. VCF-style: chr12-80356818-T-C. GRCh37 (hg19) VCF-style: chr12-80750598-T-C.
Other names: p.Leu1966=; c.5788T>C, p.Leu1930= (NM_001368062.3); c.5923T>C, p.Leu1975= (NM_001378610.3, NM_173591.7).
Identifiers: ClinVar variation 226961 (VCV000226961.40), dbSNP rs73139245, ClinGen allele CA6701862.

ClinVar aggregate classification (germline): Benign/Likely benign. Review status: criteria provided, multiple submitters, no conflicts (2 of 4 stars). 6 submissions from 6 submitters: Benign (5); Likely benign (1). Last evaluated 2026-05-01.

Allele frequency attached by ClinVar (database versions not stated): 1000 Genomes Project 30x 0.00219; 1000 Genomes Project 0.00240; TOPMed 0.00345; ESP Exome Variant Server 0.00361; gnomAD 0.00529 and 0.00550; gnomAD exomes 0.00548 and 0.00566; ExAC 0.00607.
gnomAD v4.1: 8,608 of 1,593,886 alleles (0.54%); highest among the groups gnomAD compares: Non-Finnish European, 0.62%; 33 homozygotes.

Submissions (6):

CeGaT Center for Human Genetics Tuebingen
Classification: Likely benign. Last evaluated: 2026-05-01. Review status: criteria provided, single submitter. Criteria: CeGaT Center For Human Genetics Tuebingen Variant Classification Criteria Version 2. Collection method: clinical testing. Allele origin: germline. Affected: yes. Observed: 6 variant alleles.
Comment: OTOGL: BP4, BP7, BS2

Labcorp Genetics (formerly Invitae), Labcorp
Classification: Benign. Last evaluated: 2026-01-19. Review status: criteria provided, single submitter. Criteria: Invitae Variant Classification Sherloc (09022015). Collection method: clinical testing. Allele origin: germline.

Mayo Clinic Laboratories, Mayo Clinic
Classification: Benign. Last evaluated: 2022-04-18. Review status: criteria provided, single submitter. Criteria: ACMG Guidelines, 2015. Collection method: clinical testing. Allele origin: germline. Observed: 2 variant alleles.
Comment: BA1, BP4, BP7

GeneDx
Classification: Benign. Last evaluated: 2018-07-20. Review status: criteria provided, single submitter. Criteria: GeneDx Variant Classification Process June 2021. Collection method: clinical testing. Allele origin: germline. Affected: yes.

Laboratory for Molecular Medicine, Mass General Brigham Personalized Medicine
Classification: Benign. Last evaluated: 2014-11-24. Review status: criteria provided, single submitter. Criteria: LMM Criteria. Collection method: clinical testing. Allele origin: germline. Observed: 15 variant alleles.
Comment: Leu1966Leu in exon 48 of OTOGL: This variant is not expected to have clinical si gnificance because it does not alter an amino acid residue and is not located wi thin the splice consensus sequence. It has been identified in 0.5% (44/8600) of European American chromosomes from a broad population by the NHLBI Exome Sequenc ing Project (dbSNP rs73139245).

Breakthrough Genomics
Classification: Benign. Review status: criteria provided, single submitter. Criteria: ACMG Guidelines, 2015. Collection method: not provided. Allele origin: germline. Inheritance: Autosomal recessive inheritance. Affected: yes.